The following is an entry in ClinVar:

ClinVar aggregate classification (germline): Likely benign. Review status: criteria provided, single submitter (1 of 4 stars). 2 submissions from 2 submitters: Likely benign (1). 1 of the submissions does not count toward it. Last evaluated 2025-08-05.

Conditions:
BTN2A2-related disorder. Also called: BTN2A2-related condition.

Allele frequency attached by ClinVar (database versions not stated): ESP Exome Variant Server 0.00008; gnomAD exomes 0.00017; gnomAD 0.00033; TOPMed 0.00039; ExAC 0.00044; 1000 Genomes Project 0.00080.
gnomAD v4.1: 505 of 1,614,140 alleles (0.031%); highest among the groups gnomAD compares: East Asian, 0.29%; 13 homozygotes.

Submissions (2):

Ambry Genetics
Classification: Likely benign. Last evaluated: 2025-08-05. Review status: criteria provided, single submitter. Criteria: Ambry Variant Classification Scheme 2023. Collection method: clinical testing. Allele origin: germline.

PreventionGenetics, part of Exact Sciences
Classification: Likely benign for BTN2A2-related condition. Last evaluated: 2019-09-13. Review status: no assertion criteria provided. Collection method: clinical testing. Allele origin: germline. Not counted in ClinVar's aggregate classification.
Comment: This variant is classified as likely benign based on ACMG/AMP sequence variant interpretation guidelines (Richards et al. 2015 PMID: 25741868, with internal and published modifications).

NM_006995.5(BTN2A2):c.1201C>G (p.His401Asp)

Gene: BTN2A2 (butyrophilin subfamily 2 member A2; plus strand). Cytogenetic location: 6p22.2.
Variant type: single nucleotide variant.
Coding change: c.1201C>G on transcript NM_006995.5 (MANE Select); coding-DNA position 1201, C replaced by G.
Protein change: p.His401Asp; replaces histidine 401 with aspartic acid.
Molecular consequence: missense variant. On other transcripts: 3 prime UTR variant (1), intron variant (1).
Genome position (GRCh38, 1-based): chr6:26,392,596, C>G. VCF-style: chr6-26392596-C-G. GRCh37 (hg19) VCF-style: chr6-26392824-C-G.
Other names: c.1201C>G, p.His401Asp (NM_001197237.2); c.571C>G, p.His191Asp (NM_001197239.2); c.*301C>G (NM_001197240.2); c.853C>G, p.His285Asp (NM_181531.3); c.980-1702C>G (NM_001197238.2); short protein forms H191D, H285D, H401D.
Identifiers: ClinVar variation 3040420 (VCV003040420.3), dbSNP rs148562624, ClinGen allele CA3672643.